The following is an entry in ClinVar:

ClinVar aggregate classification (germline): Uncertain significance (1 of 4 stars; one submission).

Conditions:
Hereditary cancer-predisposing syndrome. Also called: Neoplastic Syndromes, Hereditary; Tumor predisposition; Hereditary neoplastic syndrome; Hereditary Cancer Syndrome. Identifiers: Orphanet 140162, MedGen C0027672, MeSH D009386, MONDO:0015356.

Submission:

Ambry Genetics
Classification: Uncertain significance for Hereditary cancer-predisposing syndrome. Last evaluated: 2014-12-21. Review status: criteria provided, single submitter. Criteria: Ambry Variant Classification Scheme 2023. Collection method: clinical testing. Allele origin: germline.
Comment: Based on insufficient or conflicting evidence, the clinical significance of this alteration remains unclear.

NM_000051.4(ATM):c.72+9_72+10insACATATAGGTATATA

Gene: ATM (ATM serine/threonine kinase; plus strand). Cytogenetic location: 11q22.3.
Variant type: Insertion.
Coding change: c.72+9_72+10insACATATAGGTATATA on transcript NM_000051.4 (MANE Select); bases 9 to 10 of the intron after coding-DNA position 72, ACATATAGGTATATA inserted.
Molecular consequence: intron variant.
Genome position: GRCh38 VCF-style: chr11-108227705-T-TACATATAGGTATATA. GRCh37 (hg19) VCF-style: chr11-108098432-T-TACATATAGGTATATA.
Other names: c.72+9_72+10insACATATAGGTATATA (NM_001351834.2, NM_001351835.2, NM_001351836.2).
Identifiers: ClinVar variation 3076177 (VCV003076177.1), dbSNP rs2496891170, ClinGen allele CA2825001739.